The following is an entry in ClinVar:

NM_003482.4(KMT2D):c.9437C>T (p.Ala3146Val)

Gene: KMT2D (lysine methyltransferase 2D; minus strand). Cytogenetic location: 12q13.12.
Variant type: single nucleotide variant.
Coding change: c.9437C>T on transcript NM_003482.4 (MANE Select); coding-DNA position 9437, C replaced by T.
Protein change: p.Ala3146Val; replaces alanine 3146 with valine.
Molecular consequence: missense variant.
Genome position (GRCh38, 1-based): chr12:49,037,919, G>A on the plus strand (C>T on the coding strand, the complement: KMT2D is on the minus strand). VCF-style: chr12-49037919-G-A. GRCh37 (hg19) VCF-style: chr12-49431702-G-A.
Other names: short protein forms A3146V.
Identifiers: ClinVar variation 5041626 (VCV005041626.1).

ClinVar aggregate classification (germline): Uncertain significance (1 of 4 stars; one submission).

Submission:

CeGaT Center for Human Genetics Tuebingen
Classification: Uncertain significance. Last evaluated: 2026-09-01. Review status: criteria provided, single submitter. Criteria: CeGaT Center For Human Genetics Tuebingen Variant Classification Criteria Version 2. Collection method: clinical testing. Allele origin: germline. Affected: yes. Observed: 1 variant allele.
Comment: KMT2D: PM2, BP4